The following is an entry in ClinVar:

NM_016373.4(WWOX):c.108-3C>T

Gene: WWOX (WW domain containing oxidoreductase; plus strand). Cytogenetic location: 16q23.1.
Variant type: single nucleotide variant.
Coding change: c.108-3C>T on transcript NM_016373.4 (MANE Select); 3 bases into the intron before coding-DNA position 108, C replaced by T.
Molecular consequence: intron variant.
Genome position (GRCh38, 1-based): chr16:78,108,420, C>T. VCF-style: chr16-78108420-C-T. GRCh37 (hg19) VCF-style: chr16-78142317-C-T.
Other names: c.-167-1358C>T (NM_001291997.2); c.108-3C>T (NM_130791.5).
Identifiers: ClinVar variation 1004295 (VCV001004295.4), dbSNP rs1163967827, ClinGen allele CA623605154.

ClinVar aggregate classification (germline): Uncertain significance (1 of 4 stars; one submission).

Conditions:
Developmental and epileptic encephalopathy, 1 (DEE1). Also called: X-linked infantile spasms; West's syndrome; Tonic spasms with clustering, arrest of psychomotor development and hypsarrhythmia on EEG; X-Linked Infantile Spasm Syndrome; OHTAHARA SYNDROME, X-LINKED; Epileptic encephalopathy, early infantile, 1. Identifiers: MedGen C3463992, MONDO:0010632, OMIM 308350. Disease mechanism: loss of function.
Autosomal recessive spinocerebellar ataxia 12. Also called: SPINOCEREBELLAR ATAXIA WITH MENTAL RETARDATION AND EPILEPSY. Identifiers: Orphanet 284282, MedGen C3280452, MONDO:0013687, OMIM 614322.

Allele frequency attached by ClinVar (database versions not stated): gnomAD exomes below 0.00001; gnomAD 0.00001; TOPMed 0.00001.
gnomAD v4.1: 6 of 1,607,906 alleles (0.00037%); highest among the groups gnomAD compares: African/African-American, 0.0054%; no homozygotes.

Submission:

Labcorp Genetics (formerly Invitae), Labcorp
Classification: Uncertain significance for Developmental and epileptic encephalopathy, 1; Autosomal recessive spinocerebellar ataxia 12. Last evaluated: 2020-07-31. Review status: criteria provided, single submitter. Criteria: Invitae Variant Classification Sherloc (09022015). Collection method: clinical testing. Allele origin: germline.
Comment: This sequence change falls in intron 1 of the WWOX gene. It does not directly change the encoded amino acid sequence of the WWOX protein, but it affects a nucleotide within the consensus splice site of the intron. This variant is not present in population databases (ExAC no frequency). This variant has not been reported in the literature in individuals with WWOX-related conditions. Nucleotide substitutions within the consensus splice site are a relatively common cause of aberrant splicing (PMID: 17576681, 9536098). Algorithms developed to predict the effect of sequence changes on RNA splicing suggest that this variant may disrupt the consensus splice site, but this prediction has not been confirmed by published transcriptional studies. In summary, the available evidence is currently insufficient to determine the role of this variant in disease. Therefore, it has been classified as a Variant of Uncertain Significance.

Literature cited by the submitters: PubMed 17576681; PubMed 9536098.